The following is an entry in ClinVar:

NM_004656.4(BAP1):c.1094A>G (p.Asn365Ser)

Gene: BAP1 (BRCA1 associated deubiquitinase 1; minus strand). Cytogenetic location: 3p21.1.
Variant type: single nucleotide variant.
Coding change: c.1094A>G on transcript NM_004656.4 (MANE Select); coding-DNA position 1094, A replaced by G.
Protein change: p.Asn365Ser; replaces asparagine 365 with serine.
Molecular consequence: missense variant.
Genome position (GRCh38, 1-based): chr3:52,405,132, T>C on the plus strand (A>G on the coding strand, the complement: BAP1 is on the minus strand). VCF-style: chr3-52405132-T-C. GRCh37 (hg19) VCF-style: chr3-52439148-T-C.
Other names: c.1040A>G, p.Asn347Ser (NM_001410772.1); c.1094A>G (NM_004656.3); short protein forms N347S, N365S.
Identifiers: ClinVar variation 1790110 (VCV001790110.3), dbSNP rs2471335759, ClinGen allele CA353105291.

ClinVar aggregate classification (germline): Uncertain significance. Review status: criteria provided, multiple submitters, no conflicts (2 of 4 stars). 2 submissions from 2 submitters: Uncertain significance (2). Last evaluated 2025-07-23.

Conditions:
Hereditary cancer-predisposing syndrome. Also called: Hereditary Cancer Syndrome; Hereditary neoplastic syndrome; Tumor predisposition; Neoplastic Syndromes, Hereditary. Identifiers: Orphanet 140162, MedGen C0027672, MeSH D009386, MONDO:0015356.

Submissions (2):

GeneDx
Classification: Uncertain significance. Last evaluated: 2025-07-23. Review status: criteria provided, single submitter. Criteria: GeneDx Variant Classification Process June 2021. Collection method: clinical testing. Allele origin: germline. Affected: yes.
Comment: Not observed at significant frequency in large population cohorts (gnomAD); In silico analysis suggests that this missense variant does not alter protein structure/function; Has not been previously published as pathogenic or benign to our knowledge

Ambry Genetics
Classification: Uncertain significance for Hereditary cancer-predisposing syndrome. Last evaluated: 2022-04-07. Review status: criteria provided, single submitter. Criteria: Ambry Variant Classification Scheme 2023. Collection method: clinical testing. Allele origin: germline.
Comment: The p.N365S variant (also known as c.1094A>G), located in coding exon 11 of the BAP1 gene, results from an A to G substitution at nucleotide position 1094. The asparagine at codon 365 is replaced by serine, an amino acid with highly similar properties. This amino acid position is conserved. In addition, this alteration is predicted to be tolerated by in silico analysis. Since supporting evidence is limited at this time, the clinical significance of this alteration remains unclear.